The following is an entry in ClinVar:

ClinVar aggregate classification (germline): Uncertain significance (1 of 4 stars; one submission).

gnomAD v4.1: 2 of 1,613,746 alleles (0.00012%); highest among the groups gnomAD compares: Non-Finnish European, 0.000085%; no homozygotes.

Submission:

GeneDx
Classification: Uncertain significance. Last evaluated: 2024-09-25. Review status: criteria provided, single submitter. Criteria: GeneDx Variant Classification Process June 2021. Collection method: clinical testing. Allele origin: germline. Affected: yes.
Comment: Not observed at significant frequency in large population cohorts (gnomAD); In silico analysis indicates that this variant does not alter splicing; Has not been previously published as pathogenic or benign to our knowledge

NM_001039141.3(TRIOBP):c.629-10C>G

Gene: TRIOBP (TRIO and F-actin binding protein; plus strand). Cytogenetic location: 22q13.1.
Variant type: single nucleotide variant.
Coding change: c.629-10C>G on transcript NM_001039141.3 (MANE Select); 10 bases into the intron before coding-DNA position 629, C replaced by G.
Molecular consequence: intron variant.
Genome position (GRCh38, 1-based): chr22:37,723,175, C>G. VCF-style: chr22-37723175-C-G. GRCh37 (hg19) VCF-style: chr22-38119182-C-G.
Identifiers: ClinVar variation 3774922 (VCV003774922.1).
Genomic context (GRCh38, chr22:37,723,175, plus strand): 5'-AAAGAAAGGTAGAATATGAGAGCTGCCTGGACCTCTCCCCTTACCTTGAGCCCCTCTCTT[C>G]TCTCTCCAGACACCGGCGGTGGGGGCCGGAGCGCAGGACAGCACTGGGCAAGGCTCCGGG-3'